The following is an entry in ClinVar:

ClinVar aggregate classification (germline): Likely pathogenic (1 of 4 stars; one submission).

Conditions:
Fabry disease. Also called: ALPHA-GALACTOSIDASE A DEFICIENCY; ANDERSON-FABRY DISEASE; CERAMIDE TRIHEXOSIDASE DEFICIENCY; GLA DEFICIENCY; HEREDITARY DYSTOPIC LIPIDOSIS; Angiokeratoma corporis diffusum. Identifiers: Orphanet 324, MedGen C0002986, MONDO:0010526, OMIM 301500, HP:0001071. Disease mechanism: Fabry disease is due to inactivating mutations in the X-linked GLA gene resulting in deficiency of the enzyme Alpha Galactosidase-A., loss of function.

Submission:

Genomenon, Inc
Classification: Likely pathogenic for Fabry disease. Last evaluated: 2026-09-08. Review status: criteria provided, single submitter. Criteria: Genomenon Sequence Variant Interpretation Standards - Updated. Collection method: curation. Allele origin: germline. Affected: yes.
Comment: GLA p.Ter430GlnextTer? (c.1288T>C) is a stop-loss variant that results in a C-terminal protein extension. This variant has been observed in at least one proband with clinical features consistent with Fabry disease (PMID:34440358). At least one functional study has demonstrated a substantial alteration in protein function relative to the wild-type (PMID:27657681). It is absent or not present at a significant frequency in gnomAD. In conclusion, we classify GLA p.Ter430GlnextTer? (c.1288T>C) as a likely pathogenic variant.

Literature cited by the submitters: PubMed 34440358; PubMed 27657681.

NM_000169.3(GLA):c.1288T>C (p.Ter430Gln)

Genes: GLA (galactosidase alpha; minus strand), RPL36A-HNRNPH2 (RPL36A-HNRNPH2 readthrough; plus strand). Cytogenetic location: Xq22.1.
Variant type: single nucleotide variant.
Coding change: c.1288T>C on transcript NM_000169.3 (MANE Select); coding-DNA position 1288, T replaced by C.
Protein change: p.Ter430Gln.
Molecular consequence: stop lost. On other transcripts: non-coding transcript variant (3), intron variant (2).
Genome position (GRCh38, 1-based): chrX:101,397,811, A>G on the plus strand (T>C on the coding strand, the complement: GLA is on the minus strand). VCF-style: chrX-101397811-A-G. GRCh37 (hg19) VCF-style: chrX-100652799-A-G.
Other names: c.1411T>C, p.Ter471Gln (NM_001406747.1); c.300+2354A>G (NM_001199973.2); c.177+5989A>G (NM_001199974.2).
Identifiers: ClinVar variation 4087248 (VCV004087248.2).
Genomic context (GRCh38, chrX:101,397,811, plus strand): 5'-TAAAGTGAATGGAGAAAAAGGTGGACAGGAAGTAGTAGTTGGCAATAAAATAAACATTTT[A>G]AAGTAAGTCTTTTAATGACATCTGCATTGTATTTTCTAGCTGAAGCAAAACAGTGCCTGT-3'